The following is an entry in ClinVar:

ClinVar aggregate classification (germline): Uncertain significance (1 of 4 stars; one submission).

Conditions:
Renal cell carcinoma. Identifiers: Orphanet 217071, MedGen C0007134, MeSH D002292, MONDO:0005086, HP:0005584.

Submission:

Labcorp Genetics (formerly Invitae), Labcorp
Classification: Uncertain significance for Renal cell carcinoma. Last evaluated: 2021-09-02. Review status: criteria provided, single submitter. Criteria: Invitae Variant Classification Sherloc (09022015). Collection method: clinical testing. Allele origin: germline.
Comment: This sequence change creates a premature translational stop signal (p.Ser789Thrfs*6) in the MET gene. It is expected to result in an absent or disrupted protein product. However, the current clinical and genetic evidence is not sufficient to establish whether loss-of-function variants in MET cause disease. This variant is not present in population databases (ExAC no frequency). This variant has not been reported in the literature in individuals affected with MET-related conditions. In summary, the available evidence is currently insufficient to determine the role of this variant in disease. Therefore, it has been classified as a Variant of Uncertain Significance.

NM_000245.4(MET):c.2312_2315del (p.Ser771fs)

Gene: MET (MET proto-oncogene, receptor tyrosine kinase; plus strand). Cytogenetic location: 7q31.2.
Variant type: Deletion.
Coding change: c.2312_2315del on transcript NM_000245.4 (MANE Select); coding-DNA positions 2312 to 2315, 4 bases deleted (GTGT; older notation c.2312_2315delGTGT).
Protein change: p.Ser771fs; shifts the reading frame from serine 771.
Molecular consequence: frameshift variant.
Genome position (GRCh38, 1-based): chr7:116,759,438-116,759,441, GTGT deleted. VCF-style (leftmost placement, unchanged base first): chr7-116759437-AGTGT-A. GRCh37 (hg19) VCF-style: chr7-116399491-AGTGT-A.
Other names: c.2366_2369del, p.Ser789fs (NM_001127500.3); c.2312_2315del, p.Ser771fs (NM_001324401.3); c.1022_1025del, p.Ser341fs (NM_001324402.2); short protein forms S771fs, S789fs, S341fs.
Identifiers: ClinVar variation 1379228 (VCV001379228.6), dbSNP rs2116938318, ClinGen allele CA2573141519.